The following is an entry in ClinVar:

NM_018979.4(WNK1):c.3210-4A>G

Gene: WNK1 (WNK lysine deficient protein kinase 1; plus strand). Cytogenetic location: 12p13.33.
Variant type: single nucleotide variant.
Coding change: c.3210-4A>G on transcript NM_018979.4 (MANE Select); 4 bases into the intron before coding-DNA position 3210, A replaced by G.
Molecular consequence: intron variant.
Genome position (GRCh38, 1-based): chr12:881,907, A>G. VCF-style: chr12-881907-A-G. GRCh37 (hg19) VCF-style: chr12-991073-A-G.
Other names: c.3210-4A>G (NM_018979.3); c.3966-4A>G (NM_213655.5); c.3990-4A>G (NM_001184985.2); c.2469-4A>G (NM_014823.3).
Identifiers: ClinVar variation 1574838 (VCV001574838.11), dbSNP rs1257547671, ClinGen allele CA603036973.

ClinVar aggregate classification (germline): Likely benign. Review status: criteria provided, multiple submitters, no conflicts (2 of 4 stars). 3 submissions from 3 submitters: Likely benign (3). Last evaluated 2025-12-21.

Conditions:
Inborn genetic diseases. Identifiers: MedGen C0950123, MeSH D030342.
WNK1-related disorder. Also called: WNK1-related condition.
Neuropathy, hereditary sensory and autonomic, type 2A (HSAN2A). Also called: HSAN IIA; WNK1-Related HSAN2 (HSAN2A); ACROOSTEOLYSIS, GIACCAI TYPE; ACROOSTEOLYSIS, NEUROGENIC; MORVAN DISEASE; NEUROPATHY, CONGENITAL SENSORY. Identifiers: Orphanet 970, MedGen C2752089, MONDO:0024309, OMIM 201300.
Pseudohypoaldosteronism type 2C (PHA2C). Also called: Pseudohypoaldosteronism Type IIC. Identifiers: Orphanet 757, Orphanet 88940, MedGen C1840391, MONDO:0013778, OMIM 614492.

Allele frequency attached by ClinVar (database versions not stated): gnomAD 0.00001; gnomAD exomes 0.00001; TOPMed 0.00001.
gnomAD v4.1: 11 of 1,614,030 alleles (0.00068%); highest among the groups gnomAD compares: African/African-American, 0.0013%; no homozygotes.

Submissions (3):

PreventionGenetics, part of Exact Sciences
Classification: Likely benign for WNK1-related condition. Last evaluated: 2025-12-21. Review status: criteria provided, single submitter. Criteria: ACMG Guidelines, 2015. Collection method: clinical testing. Allele origin: germline.
Comment: This variant is classified as likely benign based on ACMG/AMP sequence variant interpretation guidelines (Richards et al. 2015 PMID: 25741868, with internal and published modifications).

Labcorp Genetics (formerly Invitae), Labcorp
Classification: Likely benign for Neuropathy, hereditary sensory and autonomic, type 2A; Pseudohypoaldosteronism type 2C. Last evaluated: 2025-08-21. Review status: criteria provided, single submitter. Criteria: Invitae Variant Classification Sherloc (09022015). Collection method: clinical testing. Allele origin: germline.

Ambry Genetics
Classification: Likely benign for Inborn genetic diseases. Last evaluated: 2022-07-28. Review status: criteria provided, single submitter. Criteria: Ambry Variant Classification Scheme 2023. Collection method: clinical testing. Allele origin: germline.